The following is an entry in ClinVar:

ClinVar aggregate classification (germline): Likely pathogenic. Review status: criteria provided, single submitter (1 of 4 stars). 2 submissions from 2 submitters: Likely pathogenic (1). 1 of the submissions does not count toward it. Last evaluated 2022-02-03.

Conditions:
Mucolipidosis type II. Also called: Mucolipidosis 2; ML 2; Inclusion cell disease; Leroy Disease; N-acetylglucosamine 1phosphotransferase deficiency; ML disorder type 2. Identifiers: Orphanet 576, MedGen C2673377, MONDO:0009650, OMIM 252500.
Pseudo-Hurler polydystrophy. Also called: Type III Mucolipidosis; ML IIIA; Mucolipidosis III Alpha/Beta; MUCOLIPIDOSIS IIIA; ML III; ML III ALPHA/BETA. Identifiers: Orphanet 423461, Orphanet 577, MedGen C0033788, MONDO:0018931, OMIM 252600.

Submissions (2):

Labcorp Genetics (formerly Invitae), Labcorp
Classification: Likely pathogenic for Pseudo-Hurler polydystrophy; Mucolipidosis type II. Last evaluated: 2022-02-03. Review status: criteria provided, single submitter. Criteria: Invitae Variant Classification Sherloc (09022015). Collection method: clinical testing. Allele origin: germline.
Comment: Algorithms developed to predict the effect of sequence changes on RNA splicing suggest that this variant may disrupt the consensus splice site. In summary, the currently available evidence indicates that the variant is pathogenic, but additional data are needed to prove that conclusively. Therefore, this variant has been classified as Likely Pathogenic. ClinVar contains an entry for this variant (Variation ID: 39085). This sequence change affects an acceptor splice site in intron 6 of the GNPTAB gene. It is expected to disrupt RNA splicing. Variants that disrupt the donor or acceptor splice site typically lead to a loss of protein function (PMID: 16199547), and loss-of-function variants in GNPTAB are known to be pathogenic (PMID: 19617216, 25107912). This variant is not present in population databases (gnomAD no frequency). Disruption of this splice site has been observed in individual(s) with mucolipidosis II (PMID: 19617216).

GeneReviews
No classification provided. Condition: Mucolipidosis type II. Review status: no classification provided. Collection method: literature only. Allele origin: unknown. Not counted in ClinVar's aggregate classification.

Literature cited by the submitters: PubMed 16199547 (cited by Labcorp Genetics (formerly Invitae), Labcorp); PubMed 19617216 (cited by Labcorp Genetics (formerly Invitae), Labcorp and GeneReviews); PubMed 25107912 (cited by Labcorp Genetics (formerly Invitae), Labcorp); PubMed 20301728 (cited by GeneReviews); NCBI Bookshelf NBK1828 (cited by GeneReviews).

NM_024312.5(GNPTAB):c.637-1G>A

Gene: GNPTAB (N-acetylglucosamine-1-phosphate transferase subunits alpha and beta; minus strand). Cytogenetic location: 12q23.2.
Variant type: single nucleotide variant.
Coding change: c.637-1G>A on transcript NM_024312.5 (MANE Select); the canonical splice acceptor site of the intron before coding-DNA position 637, G replaced by A.
Molecular consequence: splice acceptor variant.
Genome position (GRCh38, 1-based): chr12:101,780,287, C>T on the plus strand (G>A on the coding strand, the complement: GNPTAB is on the minus strand). VCF-style: chr12-101780287-C-T. GRCh37 (hg19) VCF-style: chr12-102174065-C-T.
Identifiers: ClinVar variation 39085 (VCV000039085.11), dbSNP rs281864962, ClinGen allele CA343412.